The following is an entry in ClinVar:

ClinVar aggregate classification (germline): Uncertain significance (1 of 4 stars; one submission).

Allele frequency attached by ClinVar (database versions not stated): gnomAD exomes below 0.00001.

Submission:

GeneDx
Classification: Uncertain significance. Last evaluated: 2017-05-12. Review status: criteria provided, single submitter. Criteria: GeneDx Variant Classification (06012015). Collection method: clinical testing. Allele origin: germline. Affected: yes.
Comment: The L397P variant in the TFR2 gene has not been reported previously as a pathogenic variant, nor as a benign variant, to our knowledge. This variant is not observed in large population cohorts (Lek et al., 2016; 1000 Genomes Consortium et al., 2015; Exome Variant Server). The L397P variant is a semi-conservative amino acid substitution, which may impact secondary protein structure as these residues differ in some properties. This substitution occurs at a position where amino acids with similar properties to Leucine are tolerated across species. In silico analysis predicts this variant is probably damaging to the protein structure/function. We interpret L397P as a variant of uncertain significance.

NM_003227.4(TFR2):c.1190T>C (p.Leu397Pro)

Gene: TFR2 (transferrin receptor 2; minus strand). Cytogenetic location: 7q22.1.
Variant type: single nucleotide variant.
Coding change: c.1190T>C on transcript NM_003227.4 (MANE Select); coding-DNA position 1190, T replaced by C.
Protein change: p.Leu397Pro; replaces leucine 397 with proline.
Molecular consequence: missense variant.
Genome position (GRCh38, 1-based): chr7:100,630,969, A>G on the plus strand (T>C on the coding strand, the complement: TFR2 is on the minus strand). VCF-style: chr7-100630969-A-G. GRCh37 (hg19) VCF-style: chr7-100228592-A-G.
Other names: c.677T>C, p.Leu226Pro (NM_001206855.3); short protein forms L397P, L226P.
Identifiers: ClinVar variation 429710 (VCV000429710.2), dbSNP rs1131691544, ClinGen allele CA368529798.